The following is an entry in ClinVar:

ClinVar aggregate classification (germline): Uncertain significance (1 of 4 stars; one submission).

Conditions:
Autosomal dominant Parkinson disease 8. Also called: LRRK2-Related Parkinson Disease; Parkinson disease 8; Parkinson disease 8, susceptibility to. Identifiers: Orphanet 411602, MedGen C1846862, MONDO:0011764, OMIM 607060.

gnomAD v4.1: 15 of 1,613,040 alleles (0.00093%); highest among the groups gnomAD compares: African/African-American, 0.004%; no homozygotes.

Submission:

Institute of Human Genetics, University of Leipzig Medical Center
Classification: Uncertain significance for Autosomal dominant Parkinson disease 8. Last evaluated: 2026-02-05. Review status: criteria provided, single submitter. Criteria: ACMG Guidelines, 2015. Collection method: clinical testing. Allele origin: unknown. Inheritance: Autosomal dominant inheritance. Affected: yes.
Comment: Criteria applied: PM2_SUP,BP1

NM_198578.4(LRRK2):c.1516C>T (p.Arg506Ter)

Gene: LRRK2 (leucine rich repeat kinase 2; plus strand). Cytogenetic location: 12q12.
Variant type: single nucleotide variant.
Coding change: c.1516C>T on transcript NM_198578.4 (MANE Select); coding-DNA position 1516, C replaced by T.
Protein change: p.Arg506Ter; replaces arginine 506 with a stop codon.
Molecular consequence: nonsense.
Genome position (GRCh38, 1-based): chr12:40,259,577, C>T. VCF-style: chr12-40259577-C-T. GRCh37 (hg19) VCF-style: chr12-40653379-C-T.
Other names: short protein forms R506*.
Identifiers: ClinVar variation 4819164 (VCV004819164.1).
Genomic context (GRCh38, chr12:40,259,577, plus strand): 5'-AAAATACTAACAGTTATGAAACGTCATGAGACATCATTACCAGTGCAGCTGGAGGCGCTT[C>T]GAGCTATTTTACATTTTATAGTGCCTGGTAAGTTACATAGTTGATTGTGGGAAGAGATAA-3'